The following is an entry in ClinVar:

NM_000284.4(PDHA1):c.1134_1159dup (p.Lys387fs)

Gene: PDHA1 (pyruvate dehydrogenase E1 subunit alpha 1; plus strand). Cytogenetic location: Xp22.12.
Variant type: Duplication.
Coding change: c.1134_1159dup on transcript NM_000284.4 (MANE Select); coding-DNA positions 1134 to 1159, 26 bases duplicated (TGGTGCCAATCAGTGGATCAAGTTTA).
Protein change: p.Lys387fs; shifts the reading frame from lysine 387.
Molecular consequence: frameshift variant.
Genome position (GRCh38, 1-based): chrX:19,359,614-19,359,639, TGGTGCCAATCAGTGGATCAAGTTTA duplicated. VCF-style (leftmost placement, unchanged base first): chrX-19359613-G-GTGGTGCCAATCAGTGGATCAAGTTTA. GRCh37 (hg19) VCF-style: chrX-19377731-G-GTGGTGCCAATCAGTGGATCAAGTTTA.
Other names: c.1248_1273dup, p.Lys425fs (NM_001173454.2); c.1155_1180dup, p.Lys394fs (NM_001173455.2); c.1041_1066dup, p.Lys356fs (NM_001173456.2); short protein forms K356fs, K387fs, K394fs, K425fs.
Identifiers: ClinVar variation 4070466 (VCV004070466.1).

ClinVar aggregate classification (germline): Pathogenic (0 of 4 stars; one submission).

Conditions:
Pyruvate dehydrogenase E1-alpha deficiency (PDHAD). Also called: ATAXIA, INTERMITTENT, WITH PYRUVATE DEHYDROGENASE DEFICIENCY; ATAXIA WITH LACTIC ACIDOSIS I; ATAXIA, INTERMITTENT, WITH ABNORMAL PYRUVATE METABOLISM; Ataxia, intermittent, with pyruvate dehydrogenase, or decarboxylase, deficiency. Identifiers: Orphanet 79243, MedGen C1839413, MONDO:0010717, OMIM 312170.

Submission:

PDHA1 Study Group, University Children’s Hospital, Paracelsus Medical University
Classification: Pathogenic for Pyruvate dehydrogenase E1-alpha deficiency. Last evaluated: 2024-10-15. Review status: no assertion criteria provided. Collection method: research. Allele origin: germline. Affected: yes. Observed: 1 variant allele.
Comment: The NM_000284.3:c.1134_1159dup (p.Lys387MetfsTer46) change is a frameshift variant in PDHA1 gene. This variant is predicted to escape nonsense-mediated decay (NMD). The variant has been reported in 1 published case (PMIDs: 8962591). Last literature search: July 12, 2024. This variant is absent or extremely rare in population-based cohorts in the Genome Aggregation Database (gnomAD). Individuals harboring this variant presented with clinical features compatible with PDHA1-related PDHc deficiency. In summary, this variant meets criteria to be classified as pathogenic (P) for PDHA1-related PDHc deficiency based on the ACMG/AMP criteria applied: PVS1, PM2, PM7 (last assessment October 15, 2024).

Literature cited by the submitters: PubMed 8962591; DOI 10.1093/brain/awaf430.